The following is an entry in ClinVar:

NM_022575.4(VPS16):c.1914T>G (p.Tyr638Ter)

Genes: PTPRA (protein tyrosine phosphatase receptor type A; plus strand), VPS16 (VPS16 core subunit of CORVET and HOPS complexes; plus strand). Cytogenetic location: 20p13.
Variant type: single nucleotide variant.
Coding change: c.1914T>G on transcript NM_022575.4 (MANE Select); coding-DNA position 1914, T replaced by G.
Protein change: p.Tyr638Ter; replaces tyrosine 638 with a stop codon.
Molecular consequence: nonsense. On other transcripts: 5 prime UTR variant (1).
Genome position (GRCh38, 1-based): chr20:2,864,642, T>G. VCF-style: chr20-2864642-T-G. GRCh37 (hg19) VCF-style: chr20-2845288-T-G.
Other names: c.-389T>G (NM_002836.4); c.1482T>G, p.Tyr494Ter (NM_080413.3); short protein forms Y494*, Y638*.
Identifiers: ClinVar variation 3366193 (VCV003366193.1).

ClinVar aggregate classification (germline): Uncertain significance (1 of 4 stars; one submission).

Submission:

GeneDx
Classification: Uncertain significance. Last evaluated: 2023-10-17. Review status: criteria provided, single submitter. Criteria: GeneDx Variant Classification Process June 2021. Collection method: clinical testing. Allele origin: germline. Affected: yes.
Comment: Nonsense variant predicted to result in protein truncation or nonsense mediated decay in a gene or region of a gene for which loss of function is not a well-established mechanism of disease; Not observed at significant frequency in large population cohorts (gnomAD); Has not been previously published as pathogenic or benign to our knowledge